The following is an entry in ClinVar:

NM_000179.3(MSH6):c.260+3A>G

Genes: MSH6 (mutS homolog 6; plus strand), LOC129933707 (ATAC-STARR-seq lymphoblastoid silent region 11468; plus strand). Cytogenetic location: 2p16.3.
Variant type: single nucleotide variant.
Coding change: c.260+3A>G on transcript NM_000179.3 (MANE Select); 3 bases into the intron after coding-DNA position 260, A replaced by G.
Molecular consequence: intron variant.
Genome position (GRCh38, 1-based): chr2:47,783,496, A>G. VCF-style: chr2-47783496-A-G. GRCh37 (hg19) VCF-style: chr2-48010635-A-G.
Other names: c.-477+3A>G (NM_001281493.2); c.237+26A>G (NM_001281492.2).
Identifiers: ClinVar variation 492705 (VCV000492705.10), dbSNP rs1553408474, ClinGen allele CA658683206.

ClinVar aggregate classification (germline): Uncertain significance. Review status: criteria provided, single submitter (1 of 4 stars). 2 submissions from 2 submitters: Uncertain significance (1). 1 of the submissions does not count toward it. Last evaluated 2025-04-14.

Conditions:
Hereditary nonpolyposis colorectal neoplasms. Identifiers: MedGen C0009405, MeSH D003123.

Allele frequency attached by ClinVar (database versions not stated): TOPMed below 0.00001; gnomAD exomes 0.00001.
gnomAD v4.1: 13 of 1,414,358 alleles (0.00092%); highest among the groups gnomAD compares: Non-Finnish European, 0.0012%; no homozygotes.

Submissions (2):

Labcorp Genetics (formerly Invitae), Labcorp
Classification: Uncertain significance for Hereditary nonpolyposis colorectal neoplasms. Last evaluated: 2025-04-14. Review status: criteria provided, single submitter. Criteria: Invitae Variant Classification Sherloc (09022015). Collection method: clinical testing. Allele origin: germline.
Comment: This sequence change falls in intron 1 of the MSH6 gene. It does not directly change the encoded amino acid sequence of the MSH6 protein. It affects a nucleotide within the consensus splice site. This variant is not present in population databases (gnomAD no frequency). This variant has not been reported in the literature in individuals affected with MSH6-related conditions. ClinVar contains an entry for this variant (Variation ID: 492705). Variants that disrupt the consensus splice site are a relatively common cause of aberrant splicing (PMID: 17576681, 9536098). Algorithms developed to predict the effect of sequence changes on RNA splicing suggest that this variant may disrupt the consensus splice site. In summary, the available evidence is currently insufficient to determine the role of this variant in disease. Therefore, it has been classified as a Variant of Uncertain Significance.

Mayo Clinic Laboratories, Mayo Clinic
Classification: Likely pathogenic. Review status: no assertion criteria provided. Collection method: clinical testing. Allele origin: unknown. Not counted in ClinVar's aggregate classification.

Literature cited by the submitters: PubMed 17576681 (cited by Labcorp Genetics (formerly Invitae), Labcorp); PubMed 9536098 (cited by Labcorp Genetics (formerly Invitae), Labcorp).